The following is an entry in ClinVar:

ClinVar aggregate classification (germline): Uncertain significance (1 of 4 stars; one submission).

Submission:

GeneDx
Classification: Uncertain significance. Last evaluated: 2026-02-12. Review status: criteria provided, single submitter. Criteria: GeneDx Variant Classification Process June 2021. Collection method: clinical testing. Allele origin: germline.
Comment: Not observed at significant frequency in large population cohorts (gnomAD); In silico analysis suggests that this missense variant does not alter protein structure/function; Has not been previously published as pathogenic or benign to our knowledge

NM_001110556.2(FLNA):c.1999C>T (p.Pro667Ser)

Gene: FLNA (filamin A; minus strand). Cytogenetic location: Xq28.
Variant type: single nucleotide variant.
Coding change: c.1999C>T on transcript NM_001110556.2 (MANE Select); coding-DNA position 1999, C replaced by T.
Protein change: p.Pro667Ser; replaces proline 667 with serine.
Molecular consequence: missense variant.
Genome position (GRCh38, 1-based): chrX:154,364,549, G>A on the plus strand (C>T on the coding strand, the complement: FLNA is on the minus strand). VCF-style: chrX-154364549-G-A. GRCh37 (hg19) VCF-style: chrX-153592917-G-A.
Other names: c.1999C>T, p.Pro667Ser (NM_001456.4); short protein forms P667S.
Identifiers: ClinVar variation 4976542 (VCV004976542.1).
Genomic context (GRCh38, chrX:154,364,549, plus strand): 5'-CAGGGCGAGACTTAGGCCATCACAGCCTGCTCTTTACCCTGTCTGGGTGGAAGTCCTGGG[G>A]CGCGTCACGGATGTCAGCCATGAAGGGGCTGAGGCGGATGTCTTCGCTGTTGCACAGCAC-3'
Protein context (NP_001104026.1, residues 657-677): SPFMADIRDA[Pro667Ser]QDFHPDRVKA